The following is an entry in ClinVar:

ClinVar aggregate classification (germline): Uncertain significance (1 of 4 stars; one submission).

Conditions:
Generalized epilepsy with febrile seizures plus, type 7 (GEFSP7). Also called: GEFS+, TYPE 7. Identifiers: Orphanet 36387, MedGen C2751778, MONDO:0013470, OMIM 613863.
Neuropathy, hereditary sensory and autonomic, type 2A (HSAN2A). Also called: WNK1-Related HSAN2 (HSAN2A); ACROOSTEOLYSIS, GIACCAI TYPE; ACROOSTEOLYSIS, NEUROGENIC; MORVAN DISEASE; NEUROPATHY, CONGENITAL SENSORY; NEUROPATHY, HEREDITARY SENSORY RADICULAR, AUTOSOMAL RECESSIVE. Identifiers: Orphanet 970, MedGen C2752089, MONDO:0024309, OMIM 201300.

Allele frequency attached by ClinVar (database versions not stated): ExAC 0.00001; gnomAD 0.00001; 1000 Genomes Project 30x 0.00016; 1000 Genomes Project 0.00020.
gnomAD v4.1: 1 of 1,614,046 alleles (0.000062%); highest among the groups gnomAD compares: East Asian, 0.0022%; no homozygotes.

Submission:

Labcorp Genetics (formerly Invitae), Labcorp
Classification: Uncertain significance for Neuropathy, hereditary sensory and autonomic, type 2A; Generalized epilepsy with febrile seizures plus, type 7. Last evaluated: 2023-04-25. Review status: criteria provided, single submitter. Criteria: Invitae Variant Classification Sherloc (09022015). Collection method: clinical testing. Allele origin: germline.
Comment: This sequence change replaces methionine, which is neutral and non-polar, with isoleucine, which is neutral and non-polar, at codon 899 of the SCN9A protein (p.Met899Ile). In summary, the available evidence is currently insufficient to determine the role of this variant in disease. Therefore, it has been classified as a Variant of Uncertain Significance. Advanced modeling of protein sequence and biophysical properties (such as structural, functional, and spatial information, amino acid conservation, physicochemical variation, residue mobility, and thermodynamic stability) has been performed at Invitae for this missense variant, however the output from this modeling did not meet the statistical confidence thresholds required to predict the impact of this variant on SCN9A protein function. ClinVar contains an entry for this variant (Variation ID: 2203208). This missense change has been observed in individual(s) with congenital indifference to pain (PMID: 21939494). This variant is present in population databases (rs572384176, gnomAD 0.006%).

Literature cited by the submitters: PubMed 21939494.

NM_001365536.1(SCN9A):c.2730G>A (p.Met910Ile)

Genes: SCN1A-AS1 (SCN1A and SCN9A antisense RNA 1; plus strand), SCN9A (sodium voltage-gated channel alpha subunit 9; minus strand). Cytogenetic location: 2q24.3.
Variant type: single nucleotide variant.
Coding change: c.2730G>A on transcript NM_001365536.1 (MANE Select); coding-DNA position 2730, G replaced by A.
Protein change: p.Met910Ile; replaces methionine 910 with isoleucine.
Molecular consequence: missense variant. On other transcripts: non-coding transcript variant (1).
Genome position (GRCh38, 1-based): chr2:166,277,127, C>T on the plus strand (G>A on the coding strand, the complement: SCN9A is on the minus strand). VCF-style: chr2-166277127-C-T. GRCh37 (hg19) VCF-style: chr2-167133637-C-T.
Other names: c.2697G>A, p.Met899Ile (NM_002977.4); short protein forms M899I, M910I.
Identifiers: ClinVar variation 2203208 (VCV002203208.4), dbSNP rs572384176, ClinGen allele CA1944212.
Genomic context (GRCh38, chr2:166,277,127, plus strand): 5'-CTCTATCCACTCTCCACACAGCACGCGGAACACAATCAGGAAGGAGTGGAAGAAGTCGTT[C>T]ATGTGCCACCGTGGGAGCGTACAGTCATCATTGATCTTGCAGACACATTCTTTGTAGCTC-3'
Protein context (NP_001352465.1, residues 900-920): NDDCTLPRWH[Met910Ile]NDFFHSFLIV